The following is an entry in ClinVar:

NM_001386135.1(AFF3):c.2134G>A (p.Ala712Thr)

Gene: AFF3 (ALF transcription elongation factor 3; minus strand). Cytogenetic location: 2q11.2.
Variant type: single nucleotide variant.
Coding change: c.2134G>A on transcript NM_001386135.1 (MANE Select); coding-DNA position 2134, G replaced by A.
Protein change: p.Ala712Thr; replaces alanine 712 with threonine.
Molecular consequence: missense variant.
Genome position (GRCh38, 1-based): chr2:99,593,527, C>T on the plus strand (G>A on the coding strand, the complement: AFF3 is on the minus strand). VCF-style: chr2-99593527-C-T. GRCh37 (hg19) VCF-style: chr2-100209989-C-T.
Other names: c.2209G>A, p.Ala737Thr (NM_001025108.2); c.2134G>A, p.Ala712Thr (NM_002285.3); c.2134G>A (NM_002285.2); short protein forms A712T, A737T.
Identifiers: ClinVar variation 3024997 (VCV003024997.24), dbSNP rs148703034, ClinGen allele CA1800954.

ClinVar aggregate classification (germline): Likely benign. Review status: criteria provided, multiple submitters, no conflicts (2 of 4 stars). 3 submissions from 3 submitters: Likely benign (2). 1 of the submissions does not count toward it. Last evaluated 2026-05-18.

Conditions:
AFF3-related disorder. Also called: AFF3-related condition.

Allele frequency attached by ClinVar (database versions not stated): 1000 Genomes Project 30x 0.00016; 1000 Genomes Project 0.00020; TOPMed 0.00069; gnomAD exomes 0.00076; gnomAD 0.00084; ESP Exome Variant Server 0.00085; ExAC 0.00096.
gnomAD v4.1: 1,213 of 1,613,092 alleles (0.075%); highest among the groups gnomAD compares: Non-Finnish European, 0.094%; 3 homozygotes.

Submissions (3):

Women's Health and Genetics/Laboratory Corporation of America, LabCorp
Classification: Likely benign. Last evaluated: 2026-05-18. Review status: criteria provided, single submitter. Criteria: LabCorp Variant Classification Summary - May 2015. Collection method: clinical testing. Allele origin: germline.
Comment: Variant summary: AFF3 c.2134G>A (p.Ala712Thr) results in a non-conservative amino acid change in the encoded protein sequence. Algorithms developed to predict the effect of missense changes on protein structure and function are either unavailable or do not agree on the potential impact of this missense change. The variant allele was found at a frequency of 0.00086 in 249530 control chromosomes, predominantly at a frequency of 0.0016 within the Non-Finnish European subpopulation in the gnomAD database. The observed variant frequency within Non-Finnish European control individuals in the gnomAD database exceeds the estimated maximal expected allele frequency for disease-causing variants in AFF3. To our knowledge, no occurrence of c.2134G>A in individuals affected with AFF3-related conditions and no experimental evidence demonstrating its impact on protein function have been reported. ClinVar contains an entry for this variant (Variation ID: 3024997). Based on the evidence outlined above, the variant was classified as likely benign.

CeGaT Center for Human Genetics Tuebingen
Classification: Likely benign. Last evaluated: 2025-10-01. Review status: criteria provided, single submitter. Criteria: CeGaT Center For Human Genetics Tuebingen Variant Classification Criteria Version 2. Collection method: clinical testing. Allele origin: germline. Affected: yes. Observed: 5 variant alleles.
Comment: AFF3: BP4, BS2

PreventionGenetics, part of Exact Sciences
Classification: Likely benign for AFF3-related condition. Last evaluated: 2024-05-08. Review status: no assertion criteria provided. Collection method: clinical testing. Allele origin: germline. Not counted in ClinVar's aggregate classification.
Comment: This variant is classified as likely benign based on ACMG/AMP sequence variant interpretation guidelines (Richards et al. 2015 PMID: 25741868, with internal and published modifications).